The following is an entry in ClinVar:

NM_014681.6(DHX34):c.3180C>T (p.Ser1060=)

Gene: DHX34 (DExH-box helicase 34; plus strand). Cytogenetic location: 19q13.32.
Variant type: single nucleotide variant.
Coding change: c.3180C>T on transcript NM_014681.6 (MANE Select); coding-DNA position 3180, C replaced by T.
Protein change: p.Ser1060=; no amino-acid change (serine 1060 retained).
Molecular consequence: synonymous variant.
Genome position (GRCh38, 1-based): chr19:47,381,206, C>T. VCF-style: chr19-47381206-C-T. GRCh37 (hg19) VCF-style: chr19-47884463-C-T.
Identifiers: ClinVar variation 789669 (VCV000789669.7), dbSNP rs113958742, ClinGen allele CA9538857.

ClinVar aggregate classification (germline): Benign. Review status: criteria provided, multiple submitters, no conflicts (2 of 4 stars). 3 submissions from 3 submitters: Benign (2). 1 of the submissions does not count toward it. Last evaluated 2019-12-31.

Conditions:
DHX34-related disorder. Also called: DHX34-related condition.

Allele frequency attached by ClinVar (database versions not stated): 1000 Genomes Project 30x 0.00359; 1000 Genomes Project 0.00399; ExAC 0.00836; TOPMed 0.00890; gnomAD exomes 0.00901 and 0.01251; gnomAD 0.00975 and 0.01000; ESP Exome Variant Server 0.01015.
gnomAD v4.1: 19,685 of 1,614,010 alleles (1.2%); highest among the groups gnomAD compares: Non-Finnish European, 1.4%; 154 homozygotes.

Submissions (3):

Labcorp Genetics (formerly Invitae), Labcorp
Classification: Benign. Last evaluated: 2019-12-31. Review status: criteria provided, single submitter. Criteria: Invitae Variant Classification Sherloc (09022015). Collection method: clinical testing. Allele origin: germline.

Breakthrough Genomics
Classification: Benign. Review status: criteria provided, single submitter. Criteria: ACMG Guidelines, 2015. Collection method: not provided. Allele origin: germline. Inheritance: Unknown mechanism. Affected: yes.

PreventionGenetics, part of Exact Sciences
Classification: Benign for DHX34-related condition. Last evaluated: 2019-12-02. Review status: no assertion criteria provided. Collection method: clinical testing. Allele origin: germline. Not counted in ClinVar's aggregate classification.
Comment: This variant is classified as benign based on ACMG/AMP sequence variant interpretation guidelines (Richards et al. 2015 PMID: 25741868, with internal and published modifications).